The following is an entry in ClinVar:

NM_130384.3(ATRIP):c.1717G>A (p.Glu573Lys)

Genes: ATRIP (ATR interacting protein; plus strand), ATRIP-TREX1 (ATRIP-TREX1 readthrough; plus strand). Cytogenetic location: 3p21.31.
Variant type: single nucleotide variant.
Coding change: c.1717G>A on transcript NM_130384.3 (MANE Select); coding-DNA position 1717, G replaced by A.
Protein change: p.Glu573Lys; replaces glutamic acid 573 with lysine.
Molecular consequence: missense variant. On other transcripts: non-coding transcript variant (1).
Genome position (GRCh38, 1-based): chr3:48,460,771, G>A. VCF-style: chr3-48460771-G-A. GRCh37 (hg19) VCF-style: chr3-48502170-G-A.
Other names: c.1336G>A, p.Glu446Lys (NM_001271022.2); c.1438G>A, p.Glu480Lys (NM_001271023.2); c.1717G>A, p.Glu573Lys (NM_032166.4); c.1717G>A (NM_130384.1); short protein forms E446K, E573K, E480K.
Identifiers: ClinVar variation 3695707 (VCV003695707.4).
Genomic context (GRCh38, chr3:48,460,771, plus strand): 5'-ACAGGTCACCTTCAAGCCAGTGTCCTGACCCAGTGCCTTAAGGTTTTGGTGAAATTAGCC[G>A]AAAACACTTCCTGTGATTTCTTGCCCAGGTATTAAGCTGCATAGGAGTCATGATTCTTTG-3'
Protein context (NP_569055.1, residues 563-583): QCLKVLVKLA[Glu573Lys]NTSCDFLPRF

ClinVar aggregate classification (germline): Uncertain significance. Review status: criteria provided, multiple submitters, no conflicts (2 of 4 stars). 2 submissions from 2 submitters: Uncertain significance (2). Last evaluated 2025-11-10.

gnomAD v4.1: 13 of 1,600,448 alleles (0.00081%); highest among the groups gnomAD compares: African/African-American, 0.0013%; no homozygotes.

Submissions (2):

Ambry Genetics
Classification: Uncertain significance. Last evaluated: 2025-11-10. Review status: criteria provided, single submitter. Criteria: Ambry Variant Classification Scheme 2023. Collection method: clinical testing. Allele origin: germline.
Comment: The p.E573K variant (also known as c.1717G>A), located in coding exon 8 of the ATRIP gene, results from a G to A substitution at nucleotide position 1717. The glutamic acid at codon 573 is replaced by lysine, an amino acid with similar properties. This amino acid position is highly conserved in available vertebrate species. In addition, this alteration is predicted to be deleterious by in silico analysis. The evidence for this gene-disease relationship is limited; therefore, the clinical significance of this alteration is unclear.

Labcorp Genetics (formerly Invitae), Labcorp
Classification: Uncertain significance. Last evaluated: 2024-08-28. Review status: criteria provided, single submitter. Criteria: Invitae Variant Classification Sherloc (09022015). Collection method: clinical testing. Allele origin: germline.
Comment: This sequence change replaces glutamic acid, which is acidic and polar, with lysine, which is basic and polar, at codon 573 of the ATRIP protein (p.Glu573Lys). This variant is present in population databases (rs775684241, gnomAD 0.005%). This variant has not been reported in the literature in individuals affected with ATRIP-related conditions. An algorithm developed to predict the effect of missense changes on protein structure and function (PolyPhen-2) suggests that this variant is likely to be disruptive. Algorithms developed to predict the effect of sequence changes on RNA splicing suggest that this variant may disrupt the consensus splice site. In summary, the available evidence is currently insufficient to determine the role of this variant in disease. Therefore, it has been classified as a Variant of Uncertain Significance.